The following is an entry in ClinVar:

ClinVar aggregate classification (germline): Uncertain significance (1 of 4 stars; one submission).

Conditions:
Catecholaminergic polymorphic ventricular tachycardia 1. Also called: VENTRICULAR TACHYCARDIA, STRESS-INDUCED POLYMORPHIC 1; RYR2-Related Catecholaminergic Polymorphic Ventricular Tachycardia; VENTRICULAR TACHYCARDIA, CATECHOLAMINERGIC POLYMORPHIC, 1, WITH OR WITHOUT ATRIAL DYSFUNCTION AND/OR DILATED CARDIOMYOPATHY. Identifiers: Orphanet 3286, MedGen C1631597, MONDO:0011484, OMIM 604772.

Submission:

Labcorp Genetics (formerly Invitae), Labcorp
Classification: Uncertain significance for Catecholaminergic polymorphic ventricular tachycardia 1. Last evaluated: 2023-07-24. Review status: criteria provided, single submitter. Criteria: Invitae Variant Classification Sherloc (09022015). Collection method: clinical testing. Allele origin: germline.
Comment: This variant is not present in population databases (gnomAD no frequency). This variant has not been reported in the literature in individuals affected with RYR2-related conditions. ClinVar contains an entry for this variant (Variation ID: 222785). Advanced modeling of protein sequence and biophysical properties (such as structural, functional, and spatial information, amino acid conservation, physicochemical variation, residue mobility, and thermodynamic stability) has been performed at Invitae for this missense variant, however the output from this modeling did not meet the statistical confidence thresholds required to predict the impact of this variant on RYR2 protein function. In summary, the available evidence is currently insufficient to determine the role of this variant in disease. Therefore, it has been classified as a Variant of Uncertain Significance. This sequence change replaces glutamic acid, which is acidic and polar, with glycine, which is neutral and non-polar, at codon 535 of the RYR2 protein (p.Glu535Gly).

NM_001035.3(RYR2):c.1604A>G (p.Glu535Gly)

Gene: RYR2 (ryanodine receptor 2; plus strand). Cytogenetic location: 1q43.
Variant type: single nucleotide variant.
Coding change: c.1604A>G on transcript NM_001035.3 (MANE Select); coding-DNA position 1604, A replaced by G.
Protein change: p.Glu535Gly; replaces glutamic acid 535 with glycine.
Molecular consequence: missense variant.
Genome position (GRCh38, 1-based): chr1:237,456,727, A>G. VCF-style: chr1-237456727-A-G. GRCh37 (hg19) VCF-style: chr1-237620027-A-G.
Other names: c.1604A>G, p.Glu535Gly (LRG_402t1); short protein forms E535G.
Identifiers: ClinVar variation 222785 (VCV000222785.4), dbSNP rs869025509, ClinGen allele CA351703.